The following is an entry in ClinVar:

NM_000834.5(GRIN2B):c.4015A>C (p.Met1339Leu)

Gene: GRIN2B (glutamate ionotropic receptor NMDA type subunit 2B; minus strand). Cytogenetic location: 12p13.1.
Variant type: single nucleotide variant.
Coding change: c.4015A>C on transcript NM_000834.5 (MANE Select); coding-DNA position 4015, A replaced by C.
Protein change: p.Met1339Leu; replaces methionine 1339 with leucine.
Molecular consequence: missense variant.
Genome position (GRCh38, 1-based): chr12:13,563,223, T>G on the plus strand (A>C on the coding strand, the complement: GRIN2B is on the minus strand). VCF-style: chr12-13563223-T-G. GRCh37 (hg19) VCF-style: chr12-13716157-T-G.
Other names: c.4015A>C (NM_000834.3); short protein forms M1339L.
Identifiers: ClinVar variation 1414574 (VCV001414574.9), dbSNP rs200604023, ClinGen allele CA233133056.
Genomic context (GRCh38, chr12:13,563,223, plus strand): 5'-CAGTGGGCACTGAGGACTTGTTGTTGGCAAAGGTGCTCTCGCCAGCTGACATCTCAAACA[T>G]GTGGGCGTAGGGGCTCCCATCCATGAATCGGCCCTTGTCTTTCAGGCTTACGCTGCGCGG-3'
Protein context (NP_000825.2, residues 1329-1349): RFMDGSPYAH[Met1339Leu]FEMSAGESTF

ClinVar aggregate classification (germline): Uncertain significance. Review status: criteria provided, multiple submitters, no conflicts (2 of 4 stars). 2 submissions from 2 submitters: Uncertain significance (2). Last evaluated 2024-08-05.

Conditions:
Intellectual developmental disorder, autosomal dominant 6, with or without seizures. Also called: GRIN2B-related developmental delay, intellectual disability and autism spectrum disorder; Intellectual disability, autosomal dominant 6. Identifiers: Orphanet 589547, MedGen C3151411, MONDO:0013509, OMIM 613970.
Developmental and epileptic encephalopathy, 27 (DEE27). Also called: GRIN2B-Related Neurodevelopmental Disorder; Epileptic encephalopathy, early infantile, 27. Identifiers: Orphanet 3451, MedGen C4015316, MONDO:0014505, OMIM 616139.

Allele frequency attached by ClinVar (database versions not stated): gnomAD 0.00002; TOPMed 0.00002.

Submissions (2):

Labcorp Genetics (formerly Invitae), Labcorp
Classification: Uncertain significance for Developmental and epileptic encephalopathy, 27; Intellectual developmental disorder, autosomal dominant 6, with or without seizures. Last evaluated: 2024-08-05. Review status: criteria provided, single submitter. Criteria: Invitae Variant Classification Sherloc (09022015). Collection method: clinical testing. Allele origin: germline.
Comment: This sequence change replaces methionine, which is neutral and non-polar, with leucine, which is neutral and non-polar, at codon 1339 of the GRIN2B protein (p.Met1339Leu). This variant is present in population databases (rs200604023, gnomAD 0.01%). This variant has not been reported in the literature in individuals affected with GRIN2B-related conditions. ClinVar contains an entry for this variant (Variation ID: 1414574). Advanced modeling of protein sequence and biophysical properties (such as structural, functional, and spatial information, amino acid conservation, physicochemical variation, residue mobility, and thermodynamic stability) performed at Invitae indicates that this missense variant is not expected to disrupt GRIN2B protein function with a negative predictive value of 95%. In summary, the available evidence is currently insufficient to determine the role of this variant in disease. Therefore, it has been classified as a Variant of Uncertain Significance.

GeneDx
Classification: Uncertain significance. Last evaluated: 2023-08-11. Review status: criteria provided, single submitter. Criteria: GeneDx Variant Classification Process June 2021. Collection method: clinical testing. Allele origin: germline. Affected: yes.
Comment: In silico analysis supports that this missense variant has a deleterious effect on protein structure/function; Has not been previously published as pathogenic or benign to our knowledge